The following is an entry in ClinVar:

ClinVar aggregate classification (germline): Likely pathogenic (1 of 4 stars; one submission).

Conditions:
Anauxetic dysplasia. Identifiers: Orphanet 93347, MedGen C1846796, MONDO:0011773.

Submission:

Labcorp Genetics (formerly Invitae), Labcorp
Classification: Likely pathogenic for Anauxetic dysplasia. Last evaluated: 2020-06-22. Review status: criteria provided, single submitter. Criteria: Invitae Variant Classification Sherloc (09022015). Collection method: clinical testing. Allele origin: germline.
Comment: While functional studies for this variant have not been reported, experimental analyses using patient derived cells, as well as in vitro transfection studies, have shown that promoter insertions result in silencing of RMRP transcription and reduced expression of the gene product (PMID: 11207361, 16254002). In summary, the currently available evidence indicates that the variant is pathogenic, but additional data are needed to prove that conclusively. Therefore, this variant has been classified as Likely Pathogenic. While this particular variant has not been reported in the literature, it is located in the promoter region between the TATA box and the transcription initiation site, and other similar insertions and duplications immediately upstream of the coding sequence have been reported in individuals affected with cartilage-hair hypoplasia (PMID: 11207361, 16838329, 17189938, 21570718). The frequency data for this variant in the population databases is considered unreliable, as metrics indicate insufficient coverage at this position in the ExAC database. This sequence change occurs in the RMRP gene, which encodes the RNA component of the RNase mitochondrial RNA processing (MRP) complex and does not result in a protein product.

Literature cited by the submitters: PubMed 11207361; PubMed 16254002; PubMed 16838329; PubMed 17189938; PubMed 21570718.

NC_000009.12:g.35658022_35658023insTCTCAGCTTCACAGAGTACACGT

Gene: RMRP (RNA component of mitochondrial RNA processing endoribonuclease; minus strand). Cytogenetic location: 9p13.3.
Variant type: Insertion.
Genome position: GRCh38 VCF-style: chr9-35658017-C-CCACGTTCTCAGCTTCACAGAGTA. GRCh37 (hg19) VCF-style: chr9-35658014-C-CCACGTTCTCAGCTTCACAGAGTA.
Identifiers: ClinVar variation 1066516 (VCV001066516.9), dbSNP rs1554651368, ClinGen allele CA2499219883.